The following is an entry in ClinVar:

NM_002769.5(PRSS1):c.229A>G (p.Asn77Asp)

Genes: PRSS1 (serine protease 1; plus strand), TRB (T cell receptor beta locus; plus strand). Cytogenetic location: 7q34.
Variant type: single nucleotide variant.
Coding change: c.229A>G on transcript NM_002769.5 (MANE Select); coding-DNA position 229, A replaced by G.
Protein change: p.Asn77Asp; replaces asparagine 77 with aspartic acid.
Molecular consequence: missense variant. On other transcripts: non-coding transcript variant (2).
Genome position (GRCh38, 1-based): chr7:142,751,802, A>G. VCF-style: chr7-142751802-A-G. GRCh37 (hg19) VCF-style: chr7-142459653-A-G.
Other names: short protein forms N77D.
Identifiers: ClinVar variation 5027402 (VCV005027402.1).

ClinVar aggregate classification (germline): Uncertain significance (1 of 4 stars; one submission).

Conditions:
Hereditary pancreatitis (PCTT). Also called: Hereditary chronic pancreatitis; PRSS1-Related Hereditary Pancreatitis. Identifiers: Orphanet 676, MedGen C0238339, MONDO:0008185, OMIM 167800.

Submission:

Ambry Genetics
Classification: Uncertain significance for Hereditary pancreatitis. Last evaluated: 2026-08-22. Review status: criteria provided, single submitter. Criteria: Ambry Variant Classification Scheme 2023. Collection method: clinical testing. Allele origin: germline.
Comment: The p.N77D variant (also known as c.229A>G), located in coding exon 3 of the PRSS1 gene, results from an A to G substitution at nucleotide position 229. The asparagine at codon 77 is replaced by aspartic acid, an amino acid with highly similar properties. This amino acid position is conserved. In addition, the in silico prediction for this alteration is inconclusive. Based on the available evidence, the clinical significance of this variant remains unclear.